The following is an entry in ClinVar:

NM_002691.4(POLD1):c.2052G>C (p.Gln684His)

Gene: POLD1 (DNA polymerase delta 1, catalytic subunit; plus strand). Cytogenetic location: 19q13.33.
Variant type: single nucleotide variant.
Coding change: c.2052G>C on transcript NM_002691.4 (MANE Select); coding-DNA position 2052, G replaced by C.
Protein change: p.Gln684His; replaces glutamine 684 with histidine.
Molecular consequence: missense variant. On other transcripts: non-coding transcript variant (1).
Genome position (GRCh38, 1-based): chr19:50,409,564, G>C. VCF-style: chr19-50409564-G-C. GRCh37 (hg19) VCF-style: chr19-50912821-G-C.
Other names: c.2052G>C, p.Gln684His (NM_001256849.1); c.2130G>C, p.Gln710His (NM_001308632.1); short protein forms Q684H, Q710H.
Identifiers: ClinVar variation 239269 (VCV000239269.93), dbSNP rs144143245, ClinGen allele CA9596379.

ClinVar aggregate classification (germline): Conflicting classifications of pathogenicity. Review status: criteria provided, conflicting classifications (1 of 4 stars). 25 submissions from 25 submitters: Uncertain significance (7); Benign (2); Likely benign (9). 7 of the submissions do not count toward it. Last evaluated 2026-03-01.

Conditions:
Hereditary cancer. Identifiers: MedGen C1333600.
POLD1-related disorder. Also called: POLD1-related condition; POLD1-related disorders.
Hereditary cancer-predisposing syndrome. Also called: Tumor predisposition; Hereditary Cancer Syndrome; Neoplastic Syndromes, Hereditary; Hereditary neoplastic syndrome. Identifiers: Orphanet 140162, MedGen C0027672, MeSH D009386, MONDO:0015356.
POLD1-related polyposis and colorectal cancer syndrome (CRCS10). Also called: Colorectal cancer 10; COLORECTAL CANCER, SUSCEPTIBILITY TO, ON CHROMOSOME 19q; Colorectal cancer, susceptibility to, 10. Identifiers: Orphanet 220460, MedGen C2675481, MONDO:0012953, OMIM 612591.

Allele frequency attached by ClinVar (database versions not stated): 1000 Genomes Project 0.00020; 1000 Genomes Project 30x 0.00031; ExAC 0.00044; gnomAD 0.00044 and 0.00045; gnomAD exomes 0.00044; TOPMed 0.00046; ESP Exome Variant Server 0.00054.
gnomAD v4.1: 1,094 of 1,613,510 alleles (0.068%); highest among the groups gnomAD compares: Non-Finnish European, 0.082%; 1 homozygote.

Submissions 1 to 18 of 25:

CeGaT Center for Human Genetics Tuebingen
Classification: Likely benign. Last evaluated: 2026-03-01. Review status: criteria provided, single submitter. Criteria: CeGaT Center For Human Genetics Tuebingen Variant Classification Criteria Version 2. Collection method: clinical testing. Allele origin: germline. Affected: yes. Observed: 4 variant alleles.
Comment: POLD1: BS1

Labcorp Genetics (formerly Invitae), Labcorp
Classification: Likely benign for POLD1-related polyposis and colorectal cancer syndrome. Last evaluated: 2026-02-03. Review status: criteria provided, single submitter. Criteria: Invitae Variant Classification Sherloc (09022015). Collection method: clinical testing. Allele origin: germline.

PreventionGenetics, part of Exact Sciences
Classification: Likely benign for POLD1-related condition. Last evaluated: 2025-12-31. Review status: criteria provided, single submitter. Criteria: ACMG Guidelines, 2015. Collection method: clinical testing. Allele origin: germline.
Comment: This variant is classified as likely benign based on ACMG/AMP sequence variant interpretation guidelines (Richards et al. 2015 PMID: 25741868, with internal and published modifications).

Center for Genomic Medicine, Rigshospitalet, Copenhagen University Hospital
Classification: Uncertain significance. Last evaluated: 2025-12-29. Review status: criteria provided, single submitter. Criteria: ACMG Guidelines, 2015. Collection method: clinical testing. Allele origin: germline.

Women's Health and Genetics/Laboratory Corporation of America, LabCorp
Classification: Likely benign. Last evaluated: 2025-10-27. Review status: criteria provided, single submitter. Criteria: LabCorp Variant Classification Summary - May 2015. Collection method: clinical testing. Allele origin: germline.
Comment: Variant summary: POLD1 c.2052G>C (p.Gln684His) results in a non-conservative amino acid change in the encoded protein sequence. Algorithms developed to predict the effect of missense changes on protein structure and function are either unavailable or do not agree on the potential impact of this missense change. The variant allele was found at a frequency of 0.00044 in 249976 control chromosomes. The observed variant frequency exceeds the estimated maximal expected allele frequency for disease-causing variants in POLD1. c.2052G>C has been reported in the presumed heterozygous state in several individuals with various cancers including breast, HNPCC, polyposis, and/or ovarian cancer (example, Mur_2020) and in cis with another missense variant on 1 allele which was confirmed trans with a 3rd variant in 1 individual with syndromic combined immunodeficiency (example, Dominguez-Conde_2019), all without strong evidence for causality. To our knowledge no segregation of this variant with disease has been reported in families and no experimental evidence demonstrating its impact on protein function in isolation have been reported. The following publications have been ascertained in the context of this evaluation (PMID: 32792570, 31449058). ClinVar contains an entry for this variant (Variation ID: 239269). Based on the evidence outlined above, the variant was classified as likely benign.

St. Jude Molecular Pathology, St. Jude Children's Research Hospital
Classification: Uncertain significance for POLD1-related polyposis and colorectal cancer syndrome. Last evaluated: 2025-06-17. Review status: criteria provided, single submitter. Criteria: St. Jude Assertion Criteria 2020. Collection method: clinical testing. Allele origin: germline.
Comment: The POLD1 c.2052G>C p.(Gln684His) missense change has a maximum subpopulation frequency of 0.088% in gnomAD v2.1.1. The in silico tool REVEL predicts a benign effect on protein function, but to our knowledge this prediction has not been confirmed by functional studies. This variant has been reported in individuals with colon cancer and/or colon polyposis (PMID: 29987844, 31285513, 29212164). In summary, the evidence currently available is insufficient to determine the clinical significance of this variant. It has therefore been classified as of uncertain significance.

Institute for Biomarker Research, Medical Diagnostic Laboratories, L.L.C.
Classification: Benign for Hereditary cancer-predisposing syndrome. Last evaluated: 2025-01-27. Review status: criteria provided, single submitter. Criteria: ACMG Guidelines, 2015. Collection method: clinical testing. Allele origin: germline.
Comment: The missense variant NM_001308632.1(POLD1):c.2130G>C (p.Gln710His) has not been reported previously as a pathogenic variant nor There is a small physicochemical difference between glutamine and histidine, which is not likely to impact secondary protein structure as these residues share similar properties. For these reasons, this variant has been classified as Benign.

Blueprint Genetics
Classification: Likely benign. Last evaluated: 2024-10-26. Review status: criteria provided, single submitter. Criteria: ACMG Guidelines, 2015. Collection method: clinical testing. Allele origin: germline.

Molecular Pathology, Peter Maccallum Cancer Centre
Classification: Uncertain significance for POLD1-related polyposis and colorectal cancer syndrome. Last evaluated: 2024-07-23. Review status: criteria provided, single submitter. Criteria: ACMG Guidelines, 2015. Collection method: clinical testing. Allele origin: germline. Inheritance: Autosomal dominant inheritance.

Ambry Genetics
Classification: Benign for Hereditary cancer-predisposing syndrome. Last evaluated: 2024-02-28. Review status: criteria provided, single submitter. Criteria: Ambry Variant Classification Scheme 2023. Collection method: clinical testing. Allele origin: germline.

Mendelics
Classification: Likely benign for Hereditary cancer. Last evaluated: 2024-01-23. Review status: criteria provided, single submitter. Criteria: ACMG Guidelines, 2015. Collection method: clinical testing. Allele origin: unknown.

Laboratory for Molecular Medicine, Mass General Brigham Personalized Medicine
Classification: Uncertain significance. Last evaluated: 2022-11-03. Review status: criteria provided, single submitter. Criteria: ACMG Guidelines, 2015. Collection method: clinical testing. Allele origin: germline.
Comment: The p.Gln684His variant in POLD1 has not been previously reported in individuals with colorectal cancer but has been identified in 49/65572 of European chromosomes by the Exome Aggregation Consortium (ExAC; dbSNP rs144143245). Computational prediction tools and conservation analysis do not provide strong support for or against an impact to the protein. In summary, the clinical significance of the p.Gln684His variant is uncertain.

MGZ Medical Genetics Center
Classification: Uncertain significance for POLD1-related polyposis and colorectal cancer syndrome. Last evaluated: 2022-04-06. Review status: criteria provided, single submitter. Criteria: ACMG Guidelines, 2015. Collection method: clinical testing. Allele origin: germline. Affected: yes. Observed: 2 variant alleles.
Comment: ACMG criteria applied: BP4

Institute for Clinical Genetics, University Hospital TU Dresden, University Hospital TU Dresden
Classification: Likely benign. Last evaluated: 2021-11-03. Review status: criteria provided, single submitter. Criteria: ACMG Guidelines, 2015. Collection method: clinical testing. Allele origin: germline.

GeneDx
Classification: Likely benign. Last evaluated: 2021-04-28. Review status: criteria provided, single submitter. Criteria: GeneDx Variant Classification Process June 2021. Collection method: clinical testing. Allele origin: germline. Affected: yes.
Comment: This variant is associated with the following publications: (PMID: 28608266, 29212164, 26648538, 29987844, 31285513, 31449058, 32041611)

Sema4
Classification: Uncertain significance for Hereditary cancer-predisposing syndrome. Last evaluated: 2021-04-08. Review status: criteria provided, single submitter. Criteria: Sema4 Curation Guidelines. Collection method: curation. Allele origin: germline.
Comment: The POLD1 c.2052G>C (p.Q684H) variant has been reported in individuals with colorectal cancer and polyposis (PMID: 29212164, 29987844, 31285513). This variant was observed in 22/25112 chromosomes in the Finnish European population according to the Genome Aggregation Database (PMID:32461654). The variant has been reported in ClinVar (Variation ID: 239269). In silico tools suggest the impact of the variant on protein function is inconclusive, though these predictions have not been confirmed by functional studies. The evidence is insufficient to meet ACMG/AMP criteria for classifying the variant as benign or pathogenic. Thus, the clinical significance of this variant is currently uncertain.

Quest Diagnostics Nichols Institute San Juan Capistrano
Classification: Likely benign. Last evaluated: 2020-02-19. Review status: criteria provided, single submitter. Criteria: Quest Diagnostics criteria. Collection method: clinical testing. Allele origin: unknown.

Genetic Services Laboratory, University of Chicago
Classification: Uncertain significance. Last evaluated: 2017-10-10. Review status: criteria provided, single submitter. Criteria: ACMG Guidelines, 2015. Collection method: clinical testing. Allele origin: germline. Affected: no.